The following is an entry in ClinVar:

ClinVar aggregate classification (germline): Likely benign (1 of 4 stars; one submission).

gnomAD v4.1: 148 of 1,613,702 alleles (0.0092%); highest among the groups gnomAD compares: Middle Eastern, 0.083%; 1 homozygote.

Submission:

CeGaT Center for Human Genetics Tuebingen
Classification: Likely benign. Last evaluated: 2023-04-01. Review status: criteria provided, single submitter. Criteria: CeGaT Center For Human Genetics Tuebingen Variant Classification Criteria Version 2. Collection method: clinical testing. Allele origin: germline. Affected: yes. Observed: 1 variant allele.
Comment: ADAMTS3: BP4, BP7

NM_014243.3(ADAMTS3):c.2322G>T (p.Ser774=)

Gene: ADAMTS3 (ADAM metallopeptidase with thrombospondin type 1 motif 3; minus strand). Cytogenetic location: 4q13.3.
Variant type: single nucleotide variant.
Coding change: c.2322G>T on transcript NM_014243.3 (MANE Select); coding-DNA position 2322, G replaced by T.
Protein change: p.Ser774=; no amino-acid change (serine 774 retained).
Molecular consequence: synonymous variant.
Genome position (GRCh38, 1-based): chr4:72,304,019, C>A on the plus strand (G>T on the coding strand, the complement: ADAMTS3 is on the minus strand). VCF-style: chr4-72304019-C-A. GRCh37 (hg19) VCF-style: chr4-73169736-C-A.
Identifiers: ClinVar variation 2654806 (VCV002654806.24), dbSNP rs771401796, ClinGen allele CA2956657.